The following is an entry in ClinVar:

ClinVar aggregate classification (germline): Benign/Likely benign. Review status: criteria provided, multiple submitters, no conflicts (2 of 4 stars). 3 submissions from 3 submitters: Benign (1); Likely benign (2). Last evaluated 2025-02-12.

Conditions:
TUBB4B-related disorder. Also called: TUBB4B-related condition.

Allele frequency attached by ClinVar (database versions not stated): TOPMed 0.00001; 1000 Genomes Project 30x 0.00031; 1000 Genomes Project 0.00040.

Submissions (3):

PreventionGenetics, part of Exact Sciences
Classification: Likely benign for TUBB4B-related condition. Last evaluated: 2025-02-12. Review status: criteria provided, single submitter. Criteria: ACMG Guidelines, 2015. Collection method: clinical testing. Allele origin: germline.
Comment: This variant is classified as likely benign based on ACMG/AMP sequence variant interpretation guidelines (Richards et al. 2015 PMID: 25741868, with internal and published modifications).

Blueprint Genetics
Classification: Likely benign. Last evaluated: 2024-08-22. Review status: criteria provided, single submitter. Criteria: ACMG Guidelines, 2015. Collection method: clinical testing. Allele origin: germline.

Labcorp Genetics (formerly Invitae), Labcorp
Classification: Benign. Last evaluated: 2023-08-04. Review status: criteria provided, single submitter. Criteria: Invitae Variant Classification Sherloc (09022015). Collection method: clinical testing. Allele origin: germline.

NM_006088.6(TUBB4B):c.278-4A>T

Gene: TUBB4B (tubulin beta 4B class IVb; plus strand). Cytogenetic location: 9q34.3.
Variant type: single nucleotide variant.
Coding change: c.278-4A>T on transcript NM_006088.6 (MANE Select); 4 bases into the intron before coding-DNA position 278, A replaced by T.
Molecular consequence: intron variant.
Genome position (GRCh38, 1-based): chr9:137,242,492, A>T. VCF-style: chr9-137242492-A-T. GRCh37 (hg19) VCF-style: chr9-140136944-A-T.
Other names: c.278-4A>T (NM_006088.5).
Identifiers: ClinVar variation 2713163 (VCV002713163.5), dbSNP rs546924103, ClinGen allele CA5365315.